The following is an entry in ClinVar:

NM_001374828.1(ARID1B):c.495G>A (p.Gln165=)

Genes: ARID1B (AT-rich interaction domain 1B; plus strand), LOC115308161 (uncharacterized LOC115308161; minus strand). Cytogenetic location: 6q25.3.
Variant type: single nucleotide variant.
Coding change: c.495G>A on transcript NM_001374828.1 (MANE Select); coding-DNA position 495, G replaced by A.
Protein change: p.Gln165=; no amino-acid change (glutamine 165 retained).
Molecular consequence: synonymous variant.
Genome position (GRCh38, 1-based): chr6:156,778,175, G>A. VCF-style: chr6-156778175-G-A. GRCh37 (hg19) VCF-style: chr6-157099309-G-A.
Other names: c.246G>A, p.Gln82= (NM_001346813.1, NM_020732.3); c.495G>A, p.Gln165= (NM_001371656.1, NM_001374820.1, NM_017519.3); c.72G>A, p.Gln24= (NM_175863.2).
Identifiers: ClinVar variation 3058452 (VCV003058452.2), dbSNP rs1251241593, ClinGen allele CA452989054.

ClinVar aggregate classification (germline): Likely benign (0 of 4 stars; one submission).

Conditions:
ARID1B-Related Disorder. Identifiers: MedGen CN381337.

Allele frequency attached by ClinVar (database versions not stated): gnomAD exomes below 0.00001; TOPMed 0.00002.
gnomAD v4.1: 5 of 1,541,516 alleles (0.00032%); highest among the groups gnomAD compares: African/African-American, 0.0041%; no homozygotes.

Submission:

PreventionGenetics, part of Exact Sciences
Classification: Likely benign for ARID1B-related condition. Last evaluated: 2021-06-25. Review status: no assertion criteria provided. Collection method: clinical testing. Allele origin: germline.
Comment: This variant is classified as likely benign based on ACMG/AMP sequence variant interpretation guidelines (Richards et al. 2015 PMID: 25741868, with internal and published modifications).